The following is an entry in ClinVar:

NM_001321075.3(DLG4):c.2012G>T (p.Arg671Leu)

Gene: DLG4 (discs large MAGUK scaffold protein 4; minus strand). Cytogenetic location: 17p13.1.
Variant type: single nucleotide variant.
Coding change: c.2012G>T on transcript NM_001321075.3 (MANE Select); coding-DNA position 2012, G replaced by T.
Protein change: p.Arg671Leu; replaces arginine 671 with leucine.
Molecular consequence: missense variant. On other transcripts: non-coding transcript variant (1).
Genome position (GRCh38, 1-based): chr17:7,191,323, C>A on the plus strand (G>T on the coding strand, the complement: DLG4 is on the minus strand). VCF-style: chr17-7191323-C-A. GRCh37 (hg19) VCF-style: chr17-7094642-C-A.
Other names: c.2003G>T, p.Arg668Leu (NM_001128827.4); c.2132G>T, p.Arg711Leu (NM_001321074.1); c.1832G>T, p.Arg611Leu (NM_001321076.3, NM_001321077.3); c.2141G>T, p.Arg714Leu (NM_001365.5); c.1931G>T, p.Arg644Leu (NM_001369566.3); short protein forms R611L, R644L, R668L, R671L, R711L, R714L.
Identifiers: ClinVar variation 5041643 (VCV005041643.1).
Genomic context (GRCh38, chr17:7,191,323, plus strand): 5'-TCACCTGAGAAGCACTCTGTGAACTCCTGCTCCAGCTTGGTGGCTCTGTCGAAGGCTTTG[C>A]GGGCTTGCTCCTCTGTGATCCGCTTGTTAATCTCTCTGTGAAGAGGGAGGGAGAGCAGGC-3'
Protein context (NP_001308004.1, residues 661-681): INKRITEEQA[Arg671Leu]KAFDRATKLE

ClinVar aggregate classification (germline): Uncertain significance (1 of 4 stars; one submission).

Submission:

CeGaT Center for Human Genetics Tuebingen
Classification: Uncertain significance. Last evaluated: 2026-09-01. Review status: criteria provided, single submitter. Criteria: CeGaT Center For Human Genetics Tuebingen Variant Classification Criteria Version 2. Collection method: clinical testing. Allele origin: germline. Affected: yes. Observed: 1 variant allele.
Comment: DLG4: PM2, BP4